The following is an entry in ClinVar:

NM_000277.3(PAH):c.793T>G (p.Cys265Gly)

Gene: PAH (phenylalanine hydroxylase; minus strand). Cytogenetic location: 12q23.2.
Variant type: single nucleotide variant.
Coding change: c.793T>G on transcript NM_000277.3 (MANE Select); coding-DNA position 793, T replaced by G.
Protein change: p.Cys265Gly; replaces cysteine 265 with glycine.
Molecular consequence: missense variant.
Genome position (GRCh38, 1-based): chr12:102,852,864, A>C on the plus strand (T>G on the coding strand, the complement: PAH is on the minus strand). VCF-style: chr12-102852864-A-C. GRCh37 (hg19) VCF-style: chr12-103246642-A-C.
Other names: NM_000277.2(PAH):c.793T>G; c.793T>G, p.Cys265Gly (NM_001354304.2); short protein forms C265G.
Identifiers: ClinVar variation 102835 (VCV000102835.2), dbSNP rs62517181, ClinGen allele CA229762.

ClinVar aggregate classification (germline): Uncertain significance. Review status: reviewed by expert panel (3 of 4 stars). 2 submissions from 2 submitters: Uncertain significance (1). 1 of the submissions does not count toward it. Last evaluated 2022-03-13.

Conditions:
Phenylketonuria (PKU). Also called: Phenylketonuria (PKU); FOLLING DISEASE; OLIGOPHRENIA PHENYLPYRUVICA; Phenylketonurias. Identifiers: Orphanet 716, MedGen C0031485, MONDO:0009861, OMIM 261600. Disease mechanism: loss of function.

Submissions (2):

ClinGen PAH Variant Curation Expert Panel
Classification: Uncertain significance for Phenylketonuria. Last evaluated: 2022-03-13. Review status: reviewed by expert panel. Criteria: ClinGen PAH ACMG Specifications v1. Collection method: curation. Allele origin: germline. Inheritance: Autosomal recessive inheritance.
Comment: The c.793T>G (p.Cys265Gly) variant in PAH has not been reported in the literature to our knowledge. Reference in BioPKU/PAHdb does not include a case report for this variant (PMID:9781015). This variant is absent from ExAC, gnomAD, 1000G, and ESP. Multiple lines of computational evidence support a deleterious effect (REVEL=0.822). In summary, this variant meets criteria to be classified as uncertain significance for PAH. PAH-specific ACMG/AMP criteria applied: PM2, PP3.

DeBelle Laboratory for Biochemical Genetics, MUHC/MCH RESEARCH INSTITUTE
No classification provided. Review status: no classification provided. Collection method: not provided. Allele origin: not provided. Not counted in ClinVar's aggregate classification.